The following is an entry in ClinVar:

NM_001034850.3(RETREG1):c.98C>T (p.Ser33Phe)

Genes: RETREG1 (reticulophagy regulator 1; minus strand), RETREG1-AS1 (RETREG1 antisense RNA 1; plus strand), LOC129993734 (ATAC-STARR-seq lymphoblastoid silent region 15947; plus strand). Cytogenetic location: 5p15.1.
Variant type: single nucleotide variant.
Coding change: c.98C>T on transcript NM_001034850.3 (MANE Select); coding-DNA position 98, C replaced by T.
Protein change: p.Ser33Phe; replaces serine 33 with phenylalanine.
Molecular consequence: missense variant.
Genome position (GRCh38, 1-based): chr5:16,616,874, G>A on the plus strand (C>T on the coding strand, the complement: RETREG1 is on the minus strand). VCF-style: chr5-16616874-G-A. GRCh37 (hg19) VCF-style: chr5-16616983-G-A.
Other names: short protein forms S33F.
Identifiers: ClinVar variation 862083 (VCV000862083.8), dbSNP rs1326167901, ClinGen allele CA359293026.

ClinVar aggregate classification (germline): Uncertain significance (1 of 4 stars; one submission).

Allele frequency attached by ClinVar (database versions not stated): gnomAD 0.00001; TOPMed 0.00001.
gnomAD v4.1: 12 of 1,496,054 alleles (0.0008%); highest among the groups gnomAD compares: Non-Finnish European, 0.00097%; no homozygotes.

Submission:

Labcorp Genetics (formerly Invitae), Labcorp
Classification: Uncertain significance. Last evaluated: 2025-11-30. Review status: criteria provided, single submitter. Criteria: Invitae Variant Classification Sherloc (09022015). Collection method: clinical testing. Allele origin: germline.
Comment: This sequence change replaces serine, which is neutral and polar, with phenylalanine, which is neutral and non-polar, at codon 33 of the RETREG1 protein (p.Ser33Phe). This variant is present in population databases (no rsID available, gnomAD 0.007%). This variant has not been reported in the literature in individuals affected with RETREG1-related conditions. ClinVar contains an entry for this variant (Variation ID: 862083). Experimental studies and prediction algorithms are not available or were not evaluated, and the functional significance of this variant is currently unknown. In summary, the available evidence is currently insufficient to determine the role of this variant in disease. Therefore, it has been classified as a Variant of Uncertain Significance.